The following is an entry in ClinVar:

ClinVar aggregate classification (germline): Likely benign (1 of 4 stars; one submission).

Allele frequency attached by ClinVar (database versions not stated): ESP Exome Variant Server 0.00023.
gnomAD v4.1: 571 of 1,614,136 alleles (0.035%); highest among the groups gnomAD compares: Middle Eastern, 0.099%; 2 homozygotes.

Submission:

CeGaT Center for Human Genetics Tuebingen
Classification: Likely benign. Last evaluated: 2024-01-01. Review status: criteria provided, single submitter. Criteria: CeGaT Center For Human Genetics Tuebingen Variant Classification Criteria Version 2. Collection method: clinical testing. Allele origin: germline. Affected: yes. Observed: 1 variant allele.
Comment: PPIL1: BP4, BP7

NM_016059.5(PPIL1):c.15C>A (p.Pro5=)

Genes: C6orf89 (chromosome 6 open reading frame 89; plus strand), PPIL1 (peptidylprolyl isomerase like 1; minus strand). Cytogenetic location: 6p21.2.
Variant type: single nucleotide variant.
Coding change: c.15C>A on transcript NM_016059.5 (MANE Select); coding-DNA position 15, C replaced by A.
Protein change: p.Pro5=; no amino-acid change (proline 5 retained).
Molecular consequence: synonymous variant. On other transcripts: intron variant (1).
Genome position (GRCh38, 1-based): chr6:36,874,758, G>T on the plus strand (C>A on the coding strand, the complement: PPIL1 is on the minus strand). VCF-style: chr6-36874758-G-T. GRCh37 (hg19) VCF-style: chr6-36842534-G-T.
Other names: c.-569+2791G>T (NM_001286636.2).
Identifiers: ClinVar variation 3024893 (VCV003024893.20), dbSNP rs147328340, ClinGen allele CA3781540.
Genomic context (GRCh38, chr6:36,874,758, plus strand): 5'-GACGCCCGAACCCCCTCACCTGGTCTCCAAGTAAACGTTGGGTGGCTGCCAGGAATCTGG[G>T]GGAATTGCCGCCATAGCGAAGCCGGCGGCGGAATGCTTGTCTAGTAATTGCTACTTCCGG-3'
Protein context (NP_057143.1, residues 1-15): MAAI[Pro5=]PDSWQPPNVY